The following is an entry in ClinVar:

NM_130384.3(ATRIP):c.520C>T (p.Leu174Phe)

Genes: ATRIP (ATR interacting protein; plus strand), ATRIP-TREX1 (ATRIP-TREX1 readthrough; plus strand). Cytogenetic location: 3p21.31.
Variant type: single nucleotide variant.
Coding change: c.520C>T on transcript NM_130384.3 (MANE Select); coding-DNA position 520, C replaced by T.
Protein change: p.Leu174Phe; replaces leucine 174 with phenylalanine.
Molecular consequence: missense variant. On other transcripts: non-coding transcript variant (1).
Genome position (GRCh38, 1-based): chr3:48,451,867, C>T. VCF-style: chr3-48451867-C-T. GRCh37 (hg19) VCF-style: chr3-48493273-C-T.
Other names: c.139C>T, p.Leu47Phe (NM_001271022.2); c.241C>T, p.Leu81Phe (NM_001271023.2); c.520C>T, p.Leu174Phe (NM_032166.4); short protein forms L81F, L174F, L47F.
Identifiers: ClinVar variation 4182175 (VCV004182175.1).

ClinVar aggregate classification (germline): Uncertain significance (1 of 4 stars; one submission).

gnomAD v4.1: 2 of 1,609,444 alleles (0.00012%); highest among the groups gnomAD compares: Non-Finnish European, 0.00017%; no homozygotes.

Submission:

Ambry Genetics
Classification: Uncertain significance. Last evaluated: 2025-07-18. Review status: criteria provided, single submitter. Criteria: Ambry Variant Classification Scheme 2023. Collection method: clinical testing. Allele origin: germline.
Comment: The p.L174F variant (also known as c.520C>T), located in coding exon 3 of the ATRIP gene, results from a C to T substitution at nucleotide position 520. The leucine at codon 174 is replaced by phenylalanine, an amino acid with highly similar properties. This amino acid position is conserved. In addition, the in silico prediction for this alteration is inconclusive. Based on the available evidence, the clinical significance of this variant remains unclear.